The following is an entry in ClinVar:

NM_016373.4(WWOX):c.899A>G (p.Asn300Ser)

Gene: WWOX (WW domain containing oxidoreductase; plus strand). Cytogenetic location: 16q23.1.
Variant type: single nucleotide variant.
Coding change: c.899A>G on transcript NM_016373.4 (MANE Select); coding-DNA position 899, A replaced by G.
Protein change: p.Asn300Ser; replaces asparagine 300 with serine.
Molecular consequence: missense variant.
Genome position (GRCh38, 1-based): chr16:78,432,595, A>G. VCF-style: chr16-78432595-A-G. GRCh37 (hg19) VCF-style: chr16-78466492-A-G.
Other names: c.560A>G, p.Asn187Ser (NM_001291997.2); short protein forms N300S, N187S.
Identifiers: ClinVar variation 1044811 (VCV001044811.5), dbSNP rs1860301714, ClinGen allele CA396843239.

ClinVar aggregate classification (germline): Uncertain significance (1 of 4 stars; one submission).

Conditions:
Developmental and epileptic encephalopathy, 1 (DEE1). Also called: X-linked infantile spasms; West's syndrome; Tonic spasms with clustering, arrest of psychomotor development and hypsarrhythmia on EEG; X-Linked Infantile Spasm Syndrome; OHTAHARA SYNDROME, X-LINKED; Epileptic encephalopathy, early infantile, 1. Identifiers: MedGen C3463992, MONDO:0010632, OMIM 308350. Disease mechanism: loss of function.
Autosomal recessive spinocerebellar ataxia 12. Also called: SPINOCEREBELLAR ATAXIA WITH MENTAL RETARDATION AND EPILEPSY. Identifiers: Orphanet 284282, MedGen C3280452, MONDO:0013687, OMIM 614322.

Allele frequency attached by ClinVar (database versions not stated): TOPMed below 0.00001.

Submission:

Labcorp Genetics (formerly Invitae), Labcorp
Classification: Uncertain significance for Developmental and epileptic encephalopathy, 1; Autosomal recessive spinocerebellar ataxia 12. Last evaluated: 2020-10-15. Review status: criteria provided, single submitter. Criteria: Invitae Variant Classification Sherloc (09022015). Collection method: clinical testing. Allele origin: germline.
Comment: In summary, the available evidence is currently insufficient to determine the role of this variant in disease. Therefore, it has been classified as a Variant of Uncertain Significance. Algorithms developed to predict the effect of missense changes on protein structure and function are either unavailable or do not agree on the potential impact of this missense change (SIFT: "Not Available"; PolyPhen-2: "Possibly Damaging"; Align-GVGD: "Not Available"). This variant has not been reported in the literature in individuals with WWOX-related conditions. This variant is not present in population databases (ExAC no frequency). This sequence change replaces asparagine with serine at codon 300 of the WWOX protein (p.Asn300Ser). The asparagine residue is highly conserved and there is a small physicochemical difference between asparagine and serine.